The following is an entry in ClinVar:

ClinVar aggregate classification (germline): Uncertain significance. Review status: criteria provided, multiple submitters, no conflicts (2 of 4 stars). 2 submissions from 2 submitters: Uncertain significance (2). Last evaluated 2025-07-31.

Conditions:
Inborn genetic diseases. Identifiers: MedGen C0950123, MeSH D030342.

gnomAD v4.1: 1 of 1,471,990 alleles (0.000068%); highest among the groups gnomAD compares: Non-Finnish European, 0.00009%; no homozygotes.

Submissions (2):

Ambry Genetics
Classification: Uncertain significance for Inborn genetic diseases. Last evaluated: 2025-07-31. Review status: criteria provided, single submitter. Criteria: Ambry Variant Classification Scheme 2023. Collection method: clinical testing. Allele origin: germline.

GeneDx
Classification: Uncertain significance. Last evaluated: 2023-06-22. Review status: criteria provided, single submitter. Criteria: GeneDx Variant Classification Process June 2021. Collection method: clinical testing. Allele origin: germline. Affected: yes.
Comment: Not observed at significant frequency in large population cohorts (gnomAD); In silico analysis supports that this missense variant has a deleterious effect on protein structure/function; Has not been previously published as pathogenic or benign to our knowledge

NM_006593.4(TBR1):c.1652C>T (p.Pro551Leu)

Gene: TBR1 (T-box brain transcription factor 1; plus strand). Cytogenetic location: 2q24.2.
Variant type: single nucleotide variant.
Coding change: c.1652C>T on transcript NM_006593.4 (MANE Select); coding-DNA position 1652, C replaced by T.
Protein change: p.Pro551Leu; replaces proline 551 with leucine.
Molecular consequence: missense variant.
Genome position (GRCh38, 1-based): chr2:161,423,830, C>T. VCF-style: chr2-161423830-C-T. GRCh37 (hg19) VCF-style: chr2-162280341-C-T.
Other names: short protein forms P551L.
Identifiers: ClinVar variation 3360317 (VCV003360317.2).